The following is an entry in ClinVar:

NM_001291415.2(KDM6A):c.2288G>T (p.Gly763Val)

Gene: KDM6A (lysine demethylase 6A; plus strand). Cytogenetic location: Xp11.3.
Variant type: single nucleotide variant.
Coding change: c.2288G>T on transcript NM_001291415.2 (MANE Select); coding-DNA position 2288, G replaced by T.
Protein change: p.Gly763Val; replaces glycine 763 with valine.
Molecular consequence: missense variant. On other transcripts: non-coding transcript variant (1).
Genome position (GRCh38, 1-based): chrX:45,069,787, G>T. VCF-style: chrX-45069787-G-T. GRCh37 (hg19) VCF-style: chrX-44929032-G-T.
Other names: c.2153G>T, p.Gly718Val (NM_001291416.2, NM_001419811.1); c.1997G>T, p.Gly666Val (NM_001291417.2); c.1895G>T, p.Gly632Val (NM_001291418.2, NM_001419815.1); c.1244G>T, p.Gly415Val (NM_001291421.2); c.2030G>T, p.Gly677Val (NM_001410742.1, NM_001419814.1); c.2288G>T, p.Gly763Val (NM_001419809.1); c.2186G>T, p.Gly729Val (NM_001419810.1, NM_001419813.1); c.2132G>T, p.Gly711Val (NM_001419812.1, NM_021140.4); short protein forms G415V, G632V, G666V, G677V, G711V, G718V, G729V, G763V.
Identifiers: ClinVar variation 5020298 (VCV005020298.1).

ClinVar aggregate classification (germline): Uncertain significance (1 of 4 stars; one submission).

Submission:

Dasa
Classification: Uncertain significance. Last evaluated: 2026-06-27. Review status: criteria provided, single submitter. Criteria: DASA Assertion Criteria. Collection method: clinical testing. Allele origin: germline.
Comment: NM_001291415.2(KDM6A):c.2288G>T (p.Gly763Val) is a missense variant that results in the substitution of glycine with valine. This variant is rare in population databases. The currently available literature and clinical evidence are not sufficient to establish a definitive association between this variant and the reported condition. Therefore, this variant is classified as a variant of uncertain significance.